The following is an entry in ClinVar:

ClinVar aggregate classification (germline): Uncertain significance (1 of 4 stars; one submission).

Allele frequency attached by ClinVar (database versions not stated): gnomAD exomes below 0.00001; TOPMed below 0.00001.
gnomAD v4.1: 2 of 1,613,524 alleles (0.00012%); highest among the groups gnomAD compares: Non-Finnish European, 0.00017%; no homozygotes.

Submission:

Labcorp Genetics (formerly Invitae), Labcorp
Classification: Uncertain significance. Last evaluated: 2025-05-14. Review status: criteria provided, single submitter. Criteria: Invitae Variant Classification Sherloc (09022015). Collection method: clinical testing. Allele origin: germline.
Comment: This sequence change replaces leucine, which is neutral and non-polar, with tryptophan, which is neutral and slightly polar, at codon 521 of the MYLK3 protein (p.Leu521Trp). This variant is not present in population databases (gnomAD no frequency). This variant has not been reported in the literature in individuals affected with MYLK3-related conditions. ClinVar contains an entry for this variant (Variation ID: 1358905). An algorithm developed to predict the effect of missense changes on protein structure and function (PolyPhen-2) suggests that this variant is likely to be disruptive. Algorithms developed to predict the effect of sequence changes on RNA splicing suggest that this variant may disrupt the consensus splice site. In summary, the available evidence is currently insufficient to determine the role of this variant in disease. Therefore, it has been classified as a Variant of Uncertain Significance.

NM_182493.3(MYLK3):c.1562T>G (p.Leu521Trp)

Gene: MYLK3 (myosin light chain kinase 3; minus strand). Cytogenetic location: 16q11.2.
Variant type: single nucleotide variant.
Coding change: c.1562T>G on transcript NM_182493.3 (MANE Select); coding-DNA position 1562, T replaced by G.
Protein change: p.Leu521Trp; replaces leucine 521 with tryptophan.
Molecular consequence: missense variant.
Genome position (GRCh38, 1-based): chr16:46,730,599, A>C on the plus strand (T>G on the coding strand, the complement: MYLK3 is on the minus strand). VCF-style: chr16-46730599-A-C. GRCh37 (hg19) VCF-style: chr16-46764511-A-C.
Other names: c.539T>G, p.Leu180Trp (NM_001308301.1); short protein forms L180W, L521W.
Identifiers: ClinVar variation 1358905 (VCV001358905.6), dbSNP rs1407622969, ClinGen allele CA395791605.